The following is an entry in ClinVar:

NM_001813.3(CENPE):c.4791A>C (p.Arg1597Ser)

Gene: CENPE (centromere protein E; minus strand). Cytogenetic location: 4q24.
Variant type: single nucleotide variant.
Coding change: c.4791A>C on transcript NM_001813.3 (MANE Select); coding-DNA position 4791, A replaced by C.
Protein change: p.Arg1597Ser; replaces arginine 1597 with serine.
Molecular consequence: missense variant.
Genome position (GRCh38, 1-based): chr4:103,145,116, T>G on the plus strand (A>C on the coding strand, the complement: CENPE is on the minus strand). VCF-style: chr4-103145116-T-G. GRCh37 (hg19) VCF-style: chr4-104066273-T-G.
Other names: c.4716A>C, p.Arg1572Ser (NM_001286734.2); short protein forms R1597S, R1572S.
Identifiers: ClinVar variation 434695 (VCV000434695.44), dbSNP rs61751594, ClinGen allele CA3029758.

ClinVar aggregate classification (germline): Conflicting classifications of pathogenicity. Review status: criteria provided, conflicting classifications (1 of 4 stars). 3 submissions from 3 submitters: Uncertain significance (1); Likely benign (2). Last evaluated 2026-09-01.

Allele frequency attached by ClinVar (database versions not stated): 1000 Genomes Project 30x 0.00297; 1000 Genomes Project 0.00319; gnomAD 0.00360; gnomAD exomes 0.00410; ExAC 0.00424; TOPMed 0.00465; ESP Exome Variant Server 0.00469.
gnomAD v4.1: 8,508 of 1,611,142 alleles (0.53%); highest among the groups gnomAD compares: Non-Finnish European, 0.65%; 34 homozygotes.

Submissions (3):

CeGaT Center for Human Genetics Tuebingen
Classification: Likely benign. Last evaluated: 2026-09-01. Review status: criteria provided, single submitter. Criteria: CeGaT Center For Human Genetics Tuebingen Variant Classification Criteria Version 2. Collection method: clinical testing. Allele origin: germline. Affected: yes. Observed: 19 variant alleles.
Comment: CENPE: BP4, BS2

Labcorp Genetics (formerly Invitae), Labcorp
Classification: Likely benign. Last evaluated: 2019-12-31. Review status: criteria provided, single submitter. Criteria: Invitae Variant Classification Sherloc (09022015). Collection method: clinical testing. Allele origin: germline.

Genetic Services Laboratory, University of Chicago
Classification: Uncertain significance. Last evaluated: 2017-02-20. Review status: criteria provided, single submitter. Criteria: ACMG Guidelines, 2015. Collection method: clinical testing. Allele origin: germline. Affected: no.